The following is an entry in ClinVar:

ClinVar aggregate classification (germline): Benign. Review status: criteria provided, multiple submitters, no conflicts (2 of 4 stars). 3 submissions from 3 submitters: Benign (2). 1 of the submissions does not count toward it. Last evaluated 2018-09-11.

Conditions:
DROSHA-related disorder. Also called: DROSHA-related condition.

Allele frequency attached by ClinVar (database versions not stated): gnomAD exomes 0.00250 and 0.00662; ExAC 0.00796; gnomAD 0.02708 and 0.02892; ESP Exome Variant Server 0.02827; 1000 Genomes Project 0.03075; TOPMed 0.03104; 1000 Genomes Project 30x 0.03513.
gnomAD v4.1: 7,947 of 1,613,892 alleles (0.49%); highest among the groups gnomAD compares: African/African-American, 9.4%; 343 homozygotes.

Submissions (3):

Labcorp Genetics (formerly Invitae), Labcorp
Classification: Benign. Last evaluated: 2018-09-11. Review status: criteria provided, single submitter. Criteria: Invitae Variant Classification Sherloc (09022015). Collection method: clinical testing. Allele origin: germline.

Breakthrough Genomics
Classification: Benign. Review status: criteria provided, single submitter. Criteria: ACMG Guidelines, 2015. Collection method: not provided. Allele origin: germline. Inheritance: Unknown mechanism. Affected: yes.

PreventionGenetics, part of Exact Sciences
Classification: Benign for DROSHA-related condition. Last evaluated: 2020-02-18. Review status: no assertion criteria provided. Collection method: clinical testing. Allele origin: germline. Not counted in ClinVar's aggregate classification.
Comment: This variant is classified as benign based on ACMG/AMP sequence variant interpretation guidelines (Richards et al. 2015 PMID: 25741868, with internal and published modifications).

NM_001382508.1(DROSHA):c.1164G>A (p.Lys388=)

Gene: DROSHA (drosha ribonuclease III; minus strand). Cytogenetic location: 5p13.3.
Variant type: single nucleotide variant.
Coding change: c.1164G>A on transcript NM_001382508.1 (MANE Select); coding-DNA position 1164, G replaced by A.
Protein change: p.Lys388=; no amino-acid change (lysine 388 retained).
Molecular consequence: synonymous variant.
Genome position (GRCh38, 1-based): chr5:31,515,114, C>T on the plus strand (G>A on the coding strand, the complement: DROSHA is on the minus strand). VCF-style: chr5-31515114-C-T. GRCh37 (hg19) VCF-style: chr5-31515221-C-T.
Other names: c.1053G>A, p.Lys351= (NM_001100412.2); c.1164G>A, p.Lys388= (NM_013235.5).
Identifiers: ClinVar variation 790017 (VCV000790017.6), dbSNP rs7729936, ClinGen allele CA3217772.